The following is an entry in ClinVar:

NM_004357.5(CD151):c.149G>C (p.Ser50Thr)

Gene: CD151 (CD151 molecule (Raph blood group); plus strand). Cytogenetic location: 11p15.5.
Variant type: single nucleotide variant.
Coding change: c.149G>C on transcript NM_004357.5 (MANE Select); coding-DNA position 149, G replaced by C.
Protein change: p.Ser50Thr; replaces serine 50 with threonine.
Molecular consequence: missense variant.
Genome position (GRCh38, 1-based): chr11:836,315, G>C. VCF-style: chr11-836315-G-C. GRCh37 (hg19) VCF-style: chr11-836315-G-C.
Other names: c.149G>C, p.Ser50Thr (NM_001039490.2, NM_139029.2, NM_139030.4); short protein forms S50T.
Identifiers: ClinVar variation 2120298 (VCV002120298.4), dbSNP rs376496318, ClinGen allele CA216985866.

ClinVar aggregate classification (germline): Uncertain significance (1 of 4 stars; one submission).

Allele frequency attached by ClinVar (database versions not stated): gnomAD exomes below 0.00001; gnomAD 0.00001; TOPMed 0.00002; ESP Exome Variant Server 0.00008.
gnomAD v4.1: 4 of 1,612,654 alleles (0.00025%); highest among the groups gnomAD compares: Non-Finnish European, 0.00034%; no homozygotes.

Submission:

Labcorp Genetics (formerly Invitae), Labcorp
Classification: Uncertain significance. Last evaluated: 2022-08-10. Review status: criteria provided, single submitter. Criteria: Invitae Variant Classification Sherloc (09022015). Collection method: clinical testing. Allele origin: germline.
Comment: This sequence change replaces serine, which is neutral and polar, with threonine, which is neutral and polar, at codon 50 of the CD151 protein (p.Ser50Thr). This variant is not present in population databases (gnomAD no frequency). This variant has not been reported in the literature in individuals affected with CD151-related conditions. Algorithms developed to predict the effect of missense changes on protein structure and function are either unavailable or do not agree on the potential impact of this missense change (SIFT: "Deleterious"; PolyPhen-2: "Benign"; Align-GVGD: "Class C55"). In summary, the available evidence is currently insufficient to determine the role of this variant in disease. Therefore, it has been classified as a Variant of Uncertain Significance.